The following is an entry in ClinVar:

ClinVar aggregate classification (germline): Uncertain significance. Review status: criteria provided, multiple submitters, no conflicts (2 of 4 stars). 2 submissions from 2 submitters: Uncertain significance (2). Last evaluated 2025-07-13.

Conditions:
Inborn genetic diseases. Identifiers: MedGen C0950123, MeSH D030342.

gnomAD v4.1: 40 of 1,542,806 alleles (0.0026%); highest among the groups gnomAD compares: African/African-American, 0.031%; no homozygotes.

Submissions (2):

Ambry Genetics
Classification: Uncertain significance for Inborn genetic diseases. Last evaluated: 2025-07-13. Review status: criteria provided, single submitter. Criteria: Ambry Variant Classification Scheme 2023. Collection method: clinical testing. Allele origin: germline.

Labcorp Genetics (formerly Invitae), Labcorp
Classification: Uncertain significance. Last evaluated: 2022-08-21. Review status: criteria provided, single submitter. Criteria: Invitae Variant Classification Sherloc (09022015). Collection method: clinical testing. Allele origin: germline.
Comment: This sequence change replaces proline, which is neutral and non-polar, with serine, which is neutral and polar, at codon 126 of the DNAH9 protein (p.Pro126Ser). The frequency data for this variant in the population databases is considered unreliable, as metrics indicate poor data quality at this position in the gnomAD database. This variant has not been reported in the literature in individuals affected with DNAH9-related conditions. Algorithms developed to predict the effect of missense changes on protein structure and function are either unavailable or do not agree on the potential impact of this missense change (SIFT: "Deleterious"; PolyPhen-2: "Benign"; Align-GVGD: "Class C0"). In summary, the available evidence is currently insufficient to determine the role of this variant in disease. Therefore, it has been classified as a Variant of Uncertain Significance.

NM_001372.4(DNAH9):c.376C>T (p.Pro126Ser)

Gene: DNAH9 (dynein axonemal heavy chain 9; plus strand). Cytogenetic location: 17p12.
Variant type: single nucleotide variant.
Coding change: c.376C>T on transcript NM_001372.4 (MANE Select); coding-DNA position 376, C replaced by T.
Protein change: p.Pro126Ser; replaces proline 126 with serine.
Molecular consequence: missense variant.
Genome position (GRCh38, 1-based): chr17:11,598,874, C>T. VCF-style: chr17-11598874-C-T. GRCh37 (hg19) VCF-style: chr17-11502191-C-T.
Other names: c.376C>T (NM_001372.3); short protein forms P126S.
Identifiers: ClinVar variation 2185629 (VCV002185629.2), dbSNP rs769247274, ClinGen allele CA8394498.